The following is an entry in ClinVar:

NM_000085.5(CLCNKB):c.464T>C (p.Leu155Pro)

Genes: CLCNKB (chloride voltage-gated channel Kb; plus strand), LOC106501713 (CLCNKB recombination region; plus strand). Cytogenetic location: 1p36.13.
Variant type: single nucleotide variant.
Coding change: c.464T>C on transcript NM_000085.5 (MANE Select); coding-DNA position 464, T replaced by C.
Protein change: p.Leu155Pro; replaces leucine 155 with proline.
Molecular consequence: missense variant.
Genome position (GRCh38, 1-based): chr1:16,048,010, T>C. VCF-style: chr1-16048010-T-C. GRCh37 (hg19) VCF-style: chr1-16374505-T-C.
Other names: short protein forms L155P.
Identifiers: ClinVar variation 3713515 (VCV003713515.2).
Genomic context (GRCh38, chr1:16,048,010, plus strand): 5'-TGGAGGACTACCTGGATATCAAGAACTTTGGGGCCAAAGTGGTGGGCCTCTCCTGCACCC[T>C]GGCCTGTGGCAGCACCCTCTTCCTCGGGAAAGTGGTATGGGCAGGGGTGAGGGCATCCCA-3'
Protein context (NP_000076.2, residues 145-165): GAKVVGLSCT[Leu155Pro]ACGSTLFLGK

ClinVar aggregate classification (germline): Uncertain significance (1 of 4 stars; one submission).

gnomAD v4.1: 1 of 1,613,974 alleles (0.000062%); highest among the groups gnomAD compares: African/African-American, 0.0013%; no homozygotes.

Submission:

Labcorp Genetics (formerly Invitae), Labcorp
Classification: Uncertain significance. Last evaluated: 2024-04-29. Review status: criteria provided, single submitter. Criteria: Invitae Variant Classification Sherloc (09022015). Collection method: clinical testing. Allele origin: germline.
Comment: This sequence change replaces leucine, which is neutral and non-polar, with proline, which is neutral and non-polar, at codon 155 of the CLCNKB protein (p.Leu155Pro). This variant is not present in population databases (gnomAD no frequency). This variant has not been reported in the literature in individuals affected with CLCNKB-related conditions. Advanced modeling of protein sequence and biophysical properties (such as structural, functional, and spatial information, amino acid conservation, physicochemical variation, residue mobility, and thermodynamic stability) performed at Invitae indicates that this missense variant is expected to disrupt CLCNKB protein function with a positive predictive value of 80%. In summary, the available evidence is currently insufficient to determine the role of this variant in disease. Therefore, it has been classified as a Variant of Uncertain Significance.